The following is an entry in ClinVar:

ClinVar aggregate classification (germline): Conflicting classifications of pathogenicity. Review status: criteria provided, conflicting classifications (1 of 4 stars). 3 submissions from 3 submitters: Uncertain significance (1); Likely benign (2). Last evaluated 2026-03-01.

Allele frequency attached by ClinVar (database versions not stated): 1000 Genomes Project 0.00200; 1000 Genomes Project 30x 0.00203.
gnomAD v4.1: 204 of 1,595,168 alleles (0.013%); highest among the groups gnomAD compares: East Asian, 0.11%; 1 homozygote.

Submissions (6):

CeGaT Center for Human Genetics Tuebingen
Classification: Likely benign. Last evaluated: 2026-03-01. Review status: criteria provided, single submitter. Criteria: CeGaT Center For Human Genetics Tuebingen Variant Classification Criteria Version 2. Collection method: clinical testing. Allele origin: germline. Affected: yes. Observed: 1 variant allele.
Comment: ARFGEF1: BS1

Labcorp Genetics (formerly Invitae), Labcorp
Classification: Likely benign. Last evaluated: 2024-02-25. Review status: criteria provided, single submitter. Criteria: Invitae Variant Classification Sherloc (09022015). Collection method: clinical testing. Allele origin: germline.

Clinical Genetics Laboratory, Skane University Hospital Lund
Classification: Uncertain significance. Last evaluated: 2022-06-27. Review status: criteria provided, single submitter. Criteria: ACMG Guidelines, 2015. Collection method: clinical testing. Allele origin: germline. Affected: yes.

Dr. Peter K. Rogan Lab, Western University
No classification provided (evidence only). Condition: Acute myeloid leukemia. Review status: no classification provided. Collection method: in vitro. Allele origin: not applicable. Functional consequence: retained intron. Not counted in ClinVar's aggregate classification.

Dr. Peter K. Rogan Lab, Western University
No classification provided (evidence only). Condition: Thymoma. Review status: no classification provided. Collection method: in vitro. Allele origin: not applicable. Functional consequence: retained intron. Not counted in ClinVar's aggregate classification.

Dr. Peter K. Rogan Lab, Western University
No classification provided (evidence only). Condition: Malignant tumor of esophagus. Review status: no classification provided. Collection method: in vitro. Allele origin: not applicable. Functional consequence: retained intron. Not counted in ClinVar's aggregate classification.

NM_006421.5(ARFGEF1):c.2699-1G>A

Gene: ARFGEF1 (ARF guanine nucleotide exchange factor 1; minus strand). Cytogenetic location: 8q13.2.
Variant type: single nucleotide variant.
Coding change: c.2699-1G>A on transcript NM_006421.5 (MANE Select); the canonical splice acceptor site of the intron before coding-DNA position 2699, G replaced by A.
Molecular consequence: splice acceptor variant. On other transcripts: intron variant (1).
Genome position (GRCh38, 1-based): chr8:67,251,451, C>T on the plus strand (G>A on the coding strand, the complement: ARFGEF1 is on the minus strand). VCF-style: chr8-67251451-C-T. GRCh37 (hg19) VCF-style: chr8-68163686-C-T.
Other names: c.2699-1G>A (NM_001413186.1, NM_001413187.1, NM_001413185.1 and 6 more transcripts); c.2099-1G>A (NM_001413188.1, NM_001413197.1, NM_001413193.1); c.1274-1G>A (NM_001413196.1); c.2699-7G>A (NM_001413190.1).
Identifiers: ClinVar variation 2037568 (VCV002037568.12), dbSNP rs200901179, ClinGen allele CA4771974.
Genomic context (GRCh38, chr8:67,251,451, plus strand): 5'-TGGCCATCTGCTCCATTTCTAAGTTATACAGAAGTCTTCTTTGTTTTTCACTGGCTACAT[C>T]TGAAACAATAAACACTATCAGCATTTTAAATATAAAACATTTAAGAATTCTATTTTGATA-3'